The following is an entry in ClinVar:

ClinVar aggregate classification (germline): Conflicting classifications of pathogenicity. Review status: criteria provided, conflicting classifications (1 of 4 stars). 10 submissions from 10 submitters: Uncertain significance (5); Benign (1); Likely benign (4). Last evaluated 2026-03-13.

Conditions:
Mismatch repair cancer syndrome 4. Identifiers: MedGen C5436817, MONDO:0030843, OMIM 619101.
Lynch syndrome 4 (LYNCH4). Also called: Colorectal cancer, hereditary nonpolyposis, type 4; Hereditary non-polyposis colorectal cancer, type 4. Identifiers: Orphanet 144, MedGen C1838333, MONDO:0013699, OMIM 614337. Disease mechanism: loss of function.
Hereditary nonpolyposis colorectal neoplasms. Identifiers: MedGen C0009405, MeSH D003123.
PMS2-related disorder. Also called: PMS2-related condition.
Hereditary cancer-predisposing syndrome. Also called: Neoplastic Syndromes, Hereditary; Tumor predisposition; Hereditary Cancer Syndrome; Hereditary neoplastic syndrome. Identifiers: Orphanet 140162, MedGen C0027672, MeSH D009386, MONDO:0015356.
Lynch syndrome. Identifiers: Orphanet 144, MedGen C4552100, MONDO:0005835. Disease mechanism: loss of function.

Allele frequency attached by ClinVar (database versions not stated): ExAC 0.00001; gnomAD exomes 0.00001; gnomAD 0.00003 and 0.00004; TOPMed 0.00004.
gnomAD v4.1: 19 of 1,613,974 alleles (0.0012%); highest among the groups gnomAD compares: East Asian, 0.0089%; no homozygotes.

Submissions (10):

PreventionGenetics, part of Exact Sciences
Classification: Uncertain significance for PMS2-related condition. Last evaluated: 2026-03-13. Review status: criteria provided, single submitter. Criteria: ACMG Guidelines, 2015. Collection method: clinical testing. Allele origin: germline.
Comment: The PMS2 c.1489G>A variant is predicted to result in the amino acid substitution p.Gly497Ser. To our knowledge, this variant has not been reported in the literature in individuals with PMS2-related conditions. An alternate variant impacting the same amino acid [c.1490G>A (p.Gly497Asp)] has been reported in individuals with PMS2-related conditions, including colorectal and endometrial cancer (see for example Yurgelun et al. 2017. PubMed ID: 28135145; Ring et al. 2016. PubMed ID: 27443514). This variant is reported in 0.011% of alleles in individuals of East Asian descent in gnomAD and has conflicting interpretations of pathogenicity in ClinVar ranging from uncertain significance to benign (Variation ID: 411016). At this time, the clinical significance of this variant is uncertain due to the absence of conclusive functional and genetic evidence.

Labcorp Genetics (formerly Invitae), Labcorp
Classification: Benign for Hereditary nonpolyposis colorectal neoplasms. Last evaluated: 2026-01-17. Review status: criteria provided, single submitter. Criteria: Invitae Variant Classification Sherloc (09022015). Collection method: clinical testing. Allele origin: germline.

Color Diagnostics, LLC DBA Color Health
Classification: Likely benign for Hereditary cancer-predisposing syndrome. Last evaluated: 2024-10-17. Review status: criteria provided, single submitter. Criteria: ACMG Guidelines, 2015. Collection method: clinical testing. Allele origin: germline.

Women's Health and Genetics/Laboratory Corporation of America, LabCorp
Classification: Uncertain significance. Last evaluated: 2024-10-07. Review status: criteria provided, single submitter. Criteria: LabCorp Variant Classification Summary - May 2015. Collection method: clinical testing. Allele origin: germline.
Comment: Variant summary: PMS2 c.1489G>A (p.Gly497Ser) results in a non-conservative amino acid change in the encoded protein sequence. Four of five in-silico tools predict a benign effect of the variant on protein function. The variant allele was found at a frequency of 1.2e-05 in 251408 control chromosomes. However, this observation needs to be cautiously considered since sequence alignment analysis suggests that the variant lies within a region of the gene that has high homology with the PMS2 pseudogene. The available data on variant occurrences in the general population are insufficient to allow any conclusion about variant significance. To our knowledge, no occurrence of c.1489G>A in individuals affected with PMS2-related conditions and no experimental evidence demonstrating its impact on protein function have been reported. ClinVar contains an entry for this variant (Variation ID: 411016). Based on the evidence outlined above, the variant was classified as uncertain significance.

All of Us Research Program, National Institutes of Health
Classification: Likely benign for Lynch syndrome. Last evaluated: 2024-08-29. Review status: criteria provided, single submitter. Criteria: ACMG Guidelines, 2015. Collection method: clinical testing. Allele origin: germline. Inheritance: Autosomal dominant inheritance. Observed: 6 variant alleles, 6 heterozygotes.
Comment: This study involves interpretation of variants in research participants for the purpose of population health screening. Participant phenotype was not available at the time of variant classification. Additional details can be found in publication PMID: 35346344, PMCID: PMC8962531

Fulgent Genetics
Classification: Uncertain significance for Lynch syndrome 4; Mismatch repair cancer syndrome 4. Last evaluated: 2024-06-04. Review status: criteria provided, single submitter. Criteria: ACMG Guidelines, 2015. Collection method: clinical testing. Allele origin: germline.

GeneDx
Classification: Uncertain significance. Last evaluated: 2024-03-18. Review status: criteria provided, single submitter. Criteria: GeneDx Variant Classification Process June 2021. Collection method: clinical testing. Allele origin: germline. Affected: yes.
Comment: In silico analysis supports that this missense variant does not alter protein structure/function; Has not been previously published as pathogenic or benign to our knowledge; This variant is associated with the following publications: (PMID: 30877237)

Department of Pathology and Laboratory Medicine, Sinai Health System
Classification: Uncertain significance for Lynch syndrome 4; Mismatch repair cancer syndrome 4. Last evaluated: 2024-02-15. Review status: criteria provided, single submitter. Criteria: ACMG Guidelines, 2015. Collection method: clinical testing. Allele origin: germline. Affected: yes.

Blueprint Genetics
Classification: Likely benign. Last evaluated: 2022-12-23. Review status: criteria provided, single submitter. Criteria: ACMG Guidelines, 2015. Collection method: clinical testing. Allele origin: germline.

Ambry Genetics
Classification: Likely benign for Hereditary cancer-predisposing syndrome. Last evaluated: 2018-09-04. Review status: criteria provided, single submitter. Criteria: Ambry Variant Classification Scheme 2023. Collection method: clinical testing. Allele origin: germline.

Literature cited by the submitters: PubMed 33471991 (cited by Department of Pathology and Laboratory Medicine, Sinai Health System).

NM_000535.7(PMS2):c.1489G>A (p.Gly497Ser)

Gene: PMS2 (PMS1 homolog 2, mismatch repair system component; minus strand). Cytogenetic location: 7p22.1.
Variant type: single nucleotide variant.
Coding change: c.1489G>A on transcript NM_000535.7 (MANE Select); coding-DNA position 1489, G replaced by A.
Protein change: p.Gly497Ser; replaces glycine 497 with serine.
Molecular consequence: missense variant. On other transcripts: non-coding transcript variant (1).
Genome position (GRCh38, 1-based): chr7:5,987,276, C>T on the plus strand (G>A on the coding strand, the complement: PMS2 is on the minus strand). VCF-style: chr7-5987276-C-T. GRCh37 (hg19) VCF-style: chr7-6026907-C-T.
Other names: c.1084G>A, p.Gly362Ser (NM_001322003.2, NM_001322004.2, NM_001322005.2 and 1 more transcripts); c.1333G>A, p.Gly445Ser (NM_001322006.2); c.1171G>A, p.Gly391Ser (NM_001322007.2, NM_001322008.2); c.928G>A, p.Gly310Ser (NM_001322010.2); c.556G>A, p.Gly186Ser (NM_001322011.2, NM_001322012.2); c.916G>A, p.Gly306Ser (NM_001322013.2); c.1489G>A, p.Gly497Ser (NM_001322014.2); c.1180G>A, p.Gly394Ser (NM_001322015.2); short protein forms G497S, G186S, G306S, G362S, G391S, G394S, G310S, G445S.
Identifiers: ClinVar variation 411016 (VCV000411016.26), dbSNP rs749826312, ClinGen allele CA043920.